The following is an entry in ClinVar:

ClinVar aggregate classification (germline): Benign/Likely benign. Review status: criteria provided, multiple submitters, no conflicts (2 of 4 stars). 15 submissions from 15 submitters: Benign (9); Likely benign (3). 3 of the submissions do not count toward it. Last evaluated 2026-08-27.

Conditions:
CHD7-related disorder. Also called: CHD7-related condition.
Inborn genetic diseases. Identifiers: MedGen C0950123, MeSH D030342.
CHARGE syndrome (CHARGE). Also called: CHARGE ASSOCIATION--COLOBOMA, HEART ANOMALY, CHOANAL ATRESIA, RETARDATION, GENITAL AND EAR ANOMALIES; Coloboma, heart anomaly, choanal atresia, retardation, genital and ear anomalies; CHARGE association; Hall-Hittner syndrome; Hittner Hirsch Kreh syndrome. Identifiers: Orphanet 138, MedGen C0265354, MONDO:0008965.

Allele frequency attached by ClinVar (database versions not stated): gnomAD exomes 0.00036 and 0.00104; ExAC 0.00128; ESP Exome Variant Server 0.00380; 1000 Genomes Project 30x 0.00515; gnomAD 0.00436 and 0.00470; TOPMed 0.00474; 1000 Genomes Project 0.00519.
gnomAD v4.1: 1,223 of 1,612,560 alleles (0.076%); highest among the groups gnomAD compares: African/African-American, 1.4%; 5 homozygotes.

Submissions (15):

PreventionGenetics, part of Exact Sciences
Classification: Benign for CHD7-related condition. Last evaluated: 2026-08-27. Review status: criteria provided, single submitter. Criteria: ACMG Guidelines, 2015. Collection method: clinical testing. Allele origin: germline.
Comment: This variant is classified as benign based on ACMG/AMP sequence variant interpretation guidelines (Richards et al. 2015 PMID: 25741868, with internal and published modifications).

Labcorp Genetics (formerly Invitae), Labcorp
Classification: Benign for CHARGE syndrome. Last evaluated: 2026-01-29. Review status: criteria provided, single submitter. Criteria: Invitae Variant Classification Sherloc (09022015). Collection method: clinical testing. Allele origin: germline.

Blueprint Genetics
Classification: Likely benign. Last evaluated: 2024-09-18. Review status: criteria provided, single submitter. Criteria: ACMG Guidelines, 2015. Collection method: clinical testing. Allele origin: germline.

Women's Health and Genetics/Laboratory Corporation of America, LabCorp
Classification: Likely benign. Last evaluated: 2024-02-25. Review status: criteria provided, single submitter. Criteria: LabCorp Variant Classification Summary - May 2015. Collection method: clinical testing. Allele origin: germline.

Mendelics
Classification: Benign for CHD7-related CHARGE syndrome. Last evaluated: 2019-05-28. Review status: criteria provided, single submitter. Criteria: Mendelics Assertion Criteria 2017. Collection method: clinical testing. Allele origin: unknown.

Laboratory for Molecular Medicine, Mass General Brigham Personalized Medicine
Classification: Benign. Last evaluated: 2019-05-22. Review status: criteria provided, single submitter. Criteria: LMM Criteria. Collection method: clinical testing. Allele origin: germline. Observed: 1 variant allele.
Comment: The p.Gly744Ser variant in CHD7 is classified as benign because it has been identified in 1.5% (364/24154) of African chromosomes by gnomAD. ACMG/AMP criteria applied: BA1.

GeneDx
Classification: Benign. Last evaluated: 2018-08-03. Review status: criteria provided, single submitter. Criteria: GeneDx Variant Classification Process June 2021. Collection method: clinical testing. Allele origin: germline. Affected: yes.
Comment: This variant is associated with the following publications: (PMID: 25077900, 23891399, 21995344, 22539353)

SIB Swiss Institute of Bioinformatics
Classification: Benign for CHD7-related CHARGE syndrome. Last evaluated: 2018-05-31. Review status: criteria provided, single submitter. Criteria: ACMG Guidelines, 2015. Collection method: curation. Allele origin: unknown.
Comment: This variant is interpreted as a Benign, for CHARGE syndrome, in Autosomal Dominant manner. The following ACMG Tag(s) were applied: BS2 => Observed in a healthy adult individual for a recessive (homozygous), dominant (heterozygous), or X-linked (hemizygous) disorder, with full penetrance expected at an early age. BS4 => Lack of segregation in affected members of a family. (PMID:21995344).

Ambry Genetics
Classification: Benign for Inborn genetic diseases. Last evaluated: 2016-07-01. Review status: criteria provided, single submitter. Criteria: Ambry Variant Classification Scheme 2023. Collection method: clinical testing. Allele origin: germline.

Eurofins Ntd Llc (ga)
Classification: Benign. Last evaluated: 2014-02-28. Review status: criteria provided, single submitter. Criteria: EGL Classification Definitions 2015. Collection method: clinical testing. Allele origin: germline. Observed: 2 variant alleles, 2 heterozygotes.

Genetic Services Laboratory, University of Chicago
Classification: Benign. Last evaluated: 2013-02-08. Review status: criteria provided, single submitter. Criteria: ACMG Guidelines, 2007. Collection method: clinical testing. Allele origin: germline. Inheritance: Autosomal dominant inheritance.

Breakthrough Genomics
Classification: Likely benign. Review status: criteria provided, single submitter. Criteria: ACMG Guidelines, 2015. Collection method: not provided. Allele origin: germline. Inheritance: Autosomal dominant inheritance. Affected: yes.

Clinical Genetics, Academic Medical Center
Classification: Benign. Review status: no assertion criteria provided. Collection method: clinical testing. Allele origin: germline. Affected: yes. Study: VKGL Data-share Consensus. Not counted in ClinVar's aggregate classification.

Diagnostic Laboratory, Department of Genetics, University Medical Center Groningen
Classification: Benign. Review status: no assertion criteria provided. Collection method: clinical testing. Allele origin: germline. Affected: yes. Study: VKGL Data-share Consensus. Not counted in ClinVar's aggregate classification.

Joint Genome Diagnostic Labs from Nijmegen and Maastricht, Radboudumc and MUMC+
Classification: Benign. Review status: no assertion criteria provided. Collection method: clinical testing. Allele origin: germline. Affected: yes. Study: VKGL Data-share Consensus. Not counted in ClinVar's aggregate classification.

Literature cited by the submitters: PubMed 25077900 (cited by Laboratory for Molecular Medicine, Mass General Brigham Personalized Medicine); PubMed 21995344 (cited by Laboratory for Molecular Medicine, Mass General Brigham Personalized Medicine and Eurofins Ntd Llc (ga)); PubMed 22539353 (cited by Laboratory for Molecular Medicine, Mass General Brigham Personalized Medicine).

NM_017780.4(CHD7):c.2230G>A (p.Gly744Ser)

Gene: CHD7 (chromodomain helicase DNA binding protein 7; plus strand). Cytogenetic location: 8q12.2.
Variant type: single nucleotide variant.
Coding change: c.2230G>A on transcript NM_017780.4 (MANE Select); coding-DNA position 2230, G replaced by A.
Protein change: p.Gly744Ser; replaces glycine 744 with serine.
Molecular consequence: missense variant. On other transcripts: intron variant (1).
Genome position (GRCh38, 1-based): chr8:60,795,119, G>A. VCF-style: chr8-60795119-G-A. GRCh37 (hg19) VCF-style: chr8-61707678-G-A.
Other names: NM_017780.3(CHD7):c.2230G>A(p.Gly744Ser); c.1716+14069G>A (NM_001316690.1); c.2230G>A, p.Gly744Ser (LRG_176t1); short protein forms G744S.
Identifiers: ClinVar variation 158282 (VCV000158282.41), dbSNP rs141947938, ClinGen allele CA171743.